The following is an entry in ClinVar:

NM_152564.5(VPS13B):c.8480A>G (p.His2827Arg)

Gene: VPS13B (vacuolar protein sorting 13 homolog B; plus strand). Cytogenetic location: 8q22.2.
Variant type: single nucleotide variant.
Coding change: c.8480A>G on transcript NM_152564.5 (MANE Select); coding-DNA position 8480, A replaced by G.
Protein change: p.His2827Arg; replaces histidine 2827 with arginine.
Molecular consequence: missense variant.
Genome position (GRCh38, 1-based): chr8:99,818,747, A>G. VCF-style: chr8-99818747-A-G. GRCh37 (hg19) VCF-style: chr8-100830975-A-G.
Other names: c.8555A>G, p.His2852Arg (NM_017890.5); c.8555A>G (NM_017890.3); short protein forms H2852R, H2827R.
Identifiers: ClinVar variation 1419521 (VCV001419521.4), dbSNP rs755406876, ClinGen allele CA4824485.

ClinVar aggregate classification (germline): Uncertain significance. Review status: criteria provided, multiple submitters, no conflicts (2 of 4 stars). 2 submissions from 2 submitters: Uncertain significance (2). Last evaluated 2025-10-29.

Conditions:
Inborn genetic diseases. Identifiers: MedGen C0950123, MeSH D030342.
Cohen syndrome (COH1). Also called: PEPPER SYNDROME; Cutis verticis gyrata, retinitis pigmentosa, and sensorineural deafness. Identifiers: Orphanet 193, MedGen C0265223, MONDO:0008999, OMIM 216550.

Allele frequency attached by ClinVar (database versions not stated): gnomAD exomes below 0.00001; TOPMed below 0.00001; ExAC 0.00001; gnomAD 0.00001.
gnomAD v4.1: 31 of 1,613,908 alleles (0.0019%); highest among the groups gnomAD compares: Non-Finnish European, 0.0026%; no homozygotes.

Submissions (2):

Ambry Genetics
Classification: Uncertain significance for Inborn genetic diseases. Last evaluated: 2025-10-29. Review status: criteria provided, single submitter. Criteria: Ambry Variant Classification Scheme 2023. Collection method: clinical testing. Allele origin: germline.

Labcorp Genetics (formerly Invitae), Labcorp
Classification: Uncertain significance for Cohen syndrome. Last evaluated: 2022-08-16. Review status: criteria provided, single submitter. Criteria: Invitae Variant Classification Sherloc (09022015). Collection method: clinical testing. Allele origin: germline.
Comment: This sequence change replaces histidine, which is basic and polar, with arginine, which is basic and polar, at codon 2852 of the VPS13B protein (p.His2852Arg). This variant is present in population databases (rs755406876, gnomAD 0.0009%). This variant has not been reported in the literature in individuals affected with VPS13B-related conditions. ClinVar contains an entry for this variant (Variation ID: 1419521). Algorithms developed to predict the effect of missense changes on protein structure and function are either unavailable or do not agree on the potential impact of this missense change (SIFT: "Not Available"; PolyPhen-2: "Benign"; Align-GVGD: "Not Available"). In summary, the available evidence is currently insufficient to determine the role of this variant in disease. Therefore, it has been classified as a Variant of Uncertain Significance.